The following is an entry in ClinVar:

ClinVar aggregate classification (germline): Uncertain significance (1 of 4 stars; one submission).

Submission:

Labcorp Genetics (formerly Invitae), Labcorp
Classification: Uncertain significance. Last evaluated: 2026-01-04. Review status: criteria provided, single submitter. Criteria: Invitae Variant Classification Sherloc (09022015). Collection method: clinical testing. Allele origin: germline.
Comment: This sequence change replaces leucine, which is neutral and non-polar, with proline, which is neutral and non-polar, at codon 1400 of the COL2A1 protein (p.Leu1400Pro). This variant is not present in population databases (gnomAD no frequency). This variant has not been reported in the literature in individuals affected with COL2A1-related conditions. Invitae Evidence Modeling of protein sequence and biophysical properties (such as structural, functional, and spatial information, amino acid conservation, physicochemical variation, residue mobility, and thermodynamic stability) indicates that this missense variant is not expected to disrupt COL2A1 protein function with a negative predictive value of 95%. In summary, the available evidence is currently insufficient to determine the role of this variant in disease. Therefore, it has been classified as a Variant of Uncertain Significance.

NM_001844.5(COL2A1):c.4199T>C (p.Leu1400Pro)

Gene: COL2A1 (collagen type II alpha 1 chain; minus strand). Cytogenetic location: 12q13.11.
Variant type: single nucleotide variant.
Coding change: c.4199T>C on transcript NM_001844.5 (MANE Select); coding-DNA position 4199, T replaced by C.
Protein change: p.Leu1400Pro; replaces leucine 1400 with proline.
Molecular consequence: missense variant.
Genome position (GRCh38, 1-based): chr12:47,974,207, A>G on the plus strand (T>C on the coding strand, the complement: COL2A1 is on the minus strand). VCF-style: chr12-47974207-A-G. GRCh37 (hg19) VCF-style: chr12-48367990-A-G.
Other names: c.3992T>C, p.Leu1331Pro (NM_033150.3); short protein forms L1331P, L1400P.
Identifiers: ClinVar variation 4747038 (VCV004747038.1).